The following is an entry in ClinVar:

NM_000078.3(CETP):c.530C>T (p.Pro177Leu)

Gene: CETP (cholesteryl ester transfer protein; plus strand). Cytogenetic location: 16q13.
Variant type: single nucleotide variant.
Coding change: c.530C>T on transcript NM_000078.3 (MANE Select); coding-DNA position 530, C replaced by T.
Protein change: p.Pro177Leu; replaces proline 177 with leucine.
Molecular consequence: missense variant.
Genome position (GRCh38, 1-based): chr16:56,971,035, C>T. VCF-style: chr16-56971035-C-T. GRCh37 (hg19) VCF-style: chr16-57004947-C-T.
Other names: c.530C>T, p.Pro177Leu (NM_001286085.2); short protein forms P177L.
Identifiers: ClinVar variation 3671494 (VCV003671494.2).

ClinVar aggregate classification (germline): Uncertain significance (1 of 4 stars; one submission).

gnomAD v4.1: 9 of 1,614,044 alleles (0.00056%); highest among the groups gnomAD compares: Admixed American, 0.0083%; no homozygotes.

Submission:

Labcorp Genetics (formerly Invitae), Labcorp
Classification: Uncertain significance. Last evaluated: 2024-06-11. Review status: criteria provided, single submitter. Criteria: Invitae Variant Classification Sherloc (09022015). Collection method: clinical testing. Allele origin: germline.
Comment: This sequence change replaces proline, which is neutral and non-polar, with leucine, which is neutral and non-polar, at codon 177 of the CETP protein (p.Pro177Leu). This variant is not present in population databases (gnomAD no frequency). This variant has not been reported in the literature in individuals affected with CETP-related conditions. An algorithm developed to predict the effect of missense changes on protein structure and function (PolyPhen-2) suggests that this variant is likely to be disruptive. In summary, the available evidence is currently insufficient to determine the role of this variant in disease. Therefore, it has been classified as a Variant of Uncertain Significance.